The following is an entry in ClinVar:

ClinVar aggregate classification (germline): Conflicting classifications of pathogenicity. Review status: criteria provided, conflicting classifications (1 of 4 stars). 2 submissions from 2 submitters: Uncertain significance (1); Likely benign (1). Last evaluated 2023-03-23.

Conditions:
Hereditary cancer-predisposing syndrome. Also called: Hereditary neoplastic syndrome; Tumor predisposition; Neoplastic Syndromes, Hereditary; Hereditary Cancer Syndrome. Identifiers: Orphanet 140162, MedGen C0027672, MeSH D009386, MONDO:0015356.
Hereditary breast ovarian cancer syndrome. Also called: Hereditary breast and ovarian cancer; Hereditary breast and/or ovarian cancer syndrome; Hereditary breast and ovarian cancer syndrome; Hereditary breast and ovarian cancer syndrome (HBOC); Breast and ovarian cancer; BRCA1- and BRCA2-Associated Hereditary Breast and Ovarian Cancer. Identifiers: Orphanet 145, MedGen C0677776, MeSH D061325, MONDO:0003582. Disease mechanism: loss of function.

Submissions (2):

University of Washington Department of Laboratory Medicine, University of Washington
Classification: Likely benign for Hereditary cancer-predisposing syndrome. Last evaluated: 2023-03-23. Review status: criteria provided, single submitter. Criteria: Dines et al. (Genet Med. 2020). Collection method: curation. Allele origin: germline.
Comment: Missense variant in a coldspot region where missense variants are very unlikely to be pathogenic (PMID:31911673).

BRCA1 coldspot (exon 11 using historical exon numbering). Reclassification based on statistical prior probability

Labcorp Genetics (formerly Invitae), Labcorp
Classification: Uncertain significance for Hereditary breast ovarian cancer syndrome. Last evaluated: 2019-07-11. Review status: criteria provided, single submitter. Criteria: Invitae Variant Classification Sherloc (09022015). Collection method: clinical testing. Allele origin: germline.
Comment: This variant is not present in population databases (ExAC no frequency). This variant has not been reported in the literature in individuals with BRCA1-related conditions. Algorithms developed to predict the effect of missense changes on protein structure and function output the following: SIFT: "Tolerated"; PolyPhen-2: "Benign"; Align-GVGD: "Class C0". The alanine amino acid residue is found in multiple mammalian species, suggesting that this missense change does not adversely affect protein function. These predictions have not been confirmed by published functional studies and their clinical significance is uncertain. In summary, the available evidence is currently insufficient to determine the role of this variant in disease. Therefore, it has been classified as a Variant of Uncertain Significance. This sequence change replaces threonine with alanine at codon 336 of the BRCA1 protein (p.Thr336Ala). The threonine residue is moderately conserved and there is a small physicochemical difference between threonine and alanine.

NM_007294.4(BRCA1):c.1006A>G (p.Thr336Ala)

Gene: BRCA1 (BRCA1 DNA repair associated; minus strand). Cytogenetic location: 17q21.31.
Variant type: single nucleotide variant.
Coding change: c.1006A>G on transcript NM_007294.4 (MANE Select); coding-DNA position 1006, A replaced by G.
Protein change: p.Thr336Ala; replaces threonine 336 with alanine.
Molecular consequence: missense variant. On other transcripts: intron variant (137).
Genome position (GRCh38, 1-based): chr17:43,094,525, T>C on the plus strand (A>G on the coding strand, the complement: BRCA1 is on the minus strand). VCF-style: chr17-43094525-T-C. GRCh37 (hg19) VCF-style: chr17-41246542-T-C.
Other names: c.646+219A>G (NM_001408456.1, NM_001408410.1, NM_001408458.1 and 11 more transcripts); c.643+219A>G (NM_001408465.1, NM_001408463.1, NM_001408462.1 and 3 more transcripts); c.577+219A>G (NM_001408482.1, NM_001408484.1, NM_001408478.1 and 9 more transcripts); c.520+219A>G (NM_001408504.1, NM_001408503.1, NM_001408505.1); c.523+219A>G (NM_001408499.1, NM_001408498.1, NM_001408501.1 and 3 more transcripts); c.670+1321A>G (NM_001408422.1, NM_001408418.1, NM_001408423.1 and 2 more transcripts); c.706+219A>G (NM_001408416.1, NM_001408413.1); c.664+219A>G (NM_001408429.1, NM_001408440.1, NM_001408428.1 and 12 more transcripts); and 40 more; short protein forms T336A, T289A, T209A, T266A, T294A, T295A, T310A, T335A.
Identifiers: ClinVar variation 954033 (VCV000954033.13), dbSNP rs2054009524, ClinGen allele CA10600050.